The following is an entry in ClinVar:

ClinVar aggregate classification (germline): Uncertain significance (1 of 4 stars; one submission).

Conditions:
Joubert syndrome 9 (JBTS9). Identifiers: Orphanet 2318, MedGen C2676788, MONDO:0012849, OMIM 612285.

Allele frequency attached by ClinVar (database versions not stated): gnomAD exomes below 0.00001.
gnomAD v4.1: 2 of 1,560,602 alleles (0.00013%); highest among the groups gnomAD compares: South Asian, 0.0012%; no homozygotes.

Submission:

Neuberg Centre For Genomic Medicine, NCGM
Classification: Uncertain significance for Joubert syndrome 9. Last evaluated: 2023-02-14. Review status: criteria provided, single submitter. Criteria: ACMG Guidelines, 2015. Collection method: clinical testing. Allele origin: germline. Inheritance: Autosomal recessive inheritance. Affected: yes.
Comment: The missense c.667G>A(p.Glu223Lys) variant in CC2D2A gene has not been reported previously as a pathogenic variant nor a benign variant, to our knowledge. The p.Glu223Lys variant has been reported with allele frequency of 0.0005% in gnomAD Exomes and is novel (not in any individuals) in 1000 Genomes. This variant has not been reported to the ClinVar database. The amino acid change p.Glu223Lys in CC2D2A is predicted as conserved by GERP++ and PhyloP across 100 vertebrates. The amino acid Glu at position 223 is changed to a Lys changing protein sequence and it might alter its composition and physico-chemical properties. For these reasons, this variant has been classified as a Variant of Uncertain Significance (VUS).

NM_001378615.1(CC2D2A):c.667G>A (p.Glu223Lys)

Genes: CC2D2A (coiled-coil and C2 domain containing 2A; plus strand), FBXL5 (F-box and leucine rich repeat protein 5; minus strand). Cytogenetic location: 4p15.32.
Variant type: single nucleotide variant.
Coding change: c.667G>A on transcript NM_001378615.1 (MANE Select); coding-DNA position 667, G replaced by A.
Protein change: p.Glu223Lys; replaces glutamic acid 223 with lysine.
Molecular consequence: missense variant.
Genome position (GRCh38, 1-based): chr4:15,511,373, G>A. VCF-style: chr4-15511373-G-A. GRCh37 (hg19) VCF-style: chr4-15512996-G-A.
Other names: c.667G>A, p.Glu223Lys (NM_001080522.2); c.520G>A, p.Glu174Lys (NM_001378617.1); short protein forms E174K, E223K.
Identifiers: ClinVar variation 2671762 (VCV002671762.1), dbSNP rs1471249662, ClinGen allele CA356408990.